The following is an entry in ClinVar:

NM_004311.4(ARL3):c.296G>T (p.Arg99Ile)

Gene: ARL3 (ARF like GTPase 3; minus strand). Cytogenetic location: 10q24.32.
Variant type: single nucleotide variant.
Coding change: c.296G>T on transcript NM_004311.4 (MANE Select); coding-DNA position 296, G replaced by T.
Protein change: p.Arg99Ile; replaces arginine 99 with isoleucine.
Molecular consequence: missense variant.
Genome position (GRCh38, 1-based): chr10:102,689,912, C>A on the plus strand (G>T on the coding strand, the complement: ARL3 is on the minus strand). VCF-style: chr10-102689912-C-A. GRCh37 (hg19) VCF-style: chr10-104449669-C-A.
Other names: short protein forms R99I.
Identifiers: ClinVar variation 617788 (VCV000617788.5), dbSNP rs1590122229, ClinGen allele CA377921976.

ClinVar aggregate classification (germline): Pathogenic. Review status: criteria provided, single submitter (1 of 4 stars). 2 submissions from 2 submitters: Pathogenic (1). 1 of the submissions does not count toward it. Last evaluated 2024-04-15.

Conditions:
Progressive cone degeneration. Also called: Progressive cone dystrophy. Identifiers: MedGen C3665342, HP:0008020.

Allele frequency attached by ClinVar (database versions not stated): gnomAD exomes below 0.00001.
gnomAD v4.1: 2 of 1,597,018 alleles (0.00013%); highest among the groups gnomAD compares: South Asian, 0.0022%; no homozygotes.

Submissions (2):

Labcorp Genetics (formerly Invitae), Labcorp
Classification: Pathogenic. Last evaluated: 2024-04-15. Review status: criteria provided, single submitter. Criteria: Invitae Variant Classification Sherloc (09022015). Collection method: clinical testing. Allele origin: germline.
Comment: This sequence change replaces arginine, which is basic and polar, with isoleucine, which is neutral and non-polar, at codon 99 of the ARL3 protein (p.Arg99Ile). This variant is not present in population databases (gnomAD no frequency). This missense change has been observed in individual(s) with cone-rod dystrophy (PMID: 31743939). It has also been observed to segregate with disease in related individuals. ClinVar contains an entry for this variant (Variation ID: 617788). An algorithm developed to predict the effect of missense changes on protein structure and function (PolyPhen-2) suggests that this variant is likely to be disruptive. Experimental studies have shown that this missense change affects ARL3 function (PMID: 31743939). For these reasons, this variant has been classified as Pathogenic.

Laboratory of NeuroGenetics and Regenerative Medicine, University of Maryland School of Medicine
Classification: Pathogenic for Progressive cone degeneration. Review status: no assertion criteria provided. Collection method: research. Allele origin: inherited. Inheritance: Autosomal recessive inheritance. Affected: yes. Observed: 1 homozygote. Not counted in ClinVar's aggregate classification.

Literature cited by the submitters: PubMed 31743939 (cited by Labcorp Genetics (formerly Invitae), Labcorp).